The following is an entry in ClinVar:

NM_000218.3(KCNQ1):c.705C>T (p.Ile235=)

Gene: KCNQ1 (potassium voltage-gated channel subfamily Q member 1; plus strand). Cytogenetic location: 11p15.5.
Variant type: single nucleotide variant.
Coding change: c.705C>T on transcript NM_000218.3 (MANE Select); coding-DNA position 705, C replaced by T.
Protein change: p.Ile235=; no amino-acid change (isoleucine 235 retained).
Molecular consequence: synonymous variant. On other transcripts: intron variant (1).
Genome position (GRCh38, 1-based): chr11:2,572,034, C>T. VCF-style: chr11-2572034-C-T. GRCh37 (hg19) VCF-style: chr11-2593264-C-T.
Other names: c.705C>T, p.Ile235= (NM_001406836.1); c.435C>T, p.Ile145= (NM_001406837.1); c.324C>T, p.Ile108= (NM_181798.2); c.478-11401C>T (NM_001406838.1).
Identifiers: ClinVar variation 381320 (VCV000381320.3), dbSNP rs1057521015, ClinGen allele CA16606224.

ClinVar aggregate classification (germline): Likely benign (1 of 4 stars; one submission).

Allele frequency attached by ClinVar (database versions not stated): TOPMed below 0.00001.

Submission:

GeneDx
Classification: Likely benign. Last evaluated: 2015-11-10. Review status: criteria provided, single submitter. Criteria: GeneDx Variant Classification (06012015). Collection method: clinical testing. Allele origin: germline. Affected: yes.
Comment: This variant is considered likely benign or benign based on one or more of the following criteria: it is a conservative change, it occurs at a poorly conserved position in the protein, it is predicted to be benign by multiple in silico algorithms, and/or has population frequency not consistent with disease.